The following is an entry in ClinVar:

NM_002335.4(LRP5):c.326C>G (p.Ser109Cys)

Gene: LRP5 (LDL receptor related protein 5; plus strand). Cytogenetic location: 11q13.2.
Variant type: single nucleotide variant.
Coding change: c.326C>G on transcript NM_002335.4 (MANE Select); coding-DNA position 326, C replaced by G.
Protein change: p.Ser109Cys; replaces serine 109 with cysteine.
Molecular consequence: missense variant. On other transcripts: 5 prime UTR variant (1).
Genome position (GRCh38, 1-based): chr11:68,348,081, C>G. VCF-style: chr11-68348081-C-G. GRCh37 (hg19) VCF-style: chr11-68115549-C-G.
Other names: c.-1440C>G (NM_001291902.2); short protein forms S109C.
Identifiers: ClinVar variation 3634225 (VCV003634225.2).
Genomic context (GRCh38, chr11:68,348,081, plus strand): 5'-AGACCTACCTGAACCAGACGGGGGCCGCCGTGCAGAACGTGGTCATCTCCGGCCTGGTCT[C>G]TCCCGACGGCCTCGCCTGCGACTGGGTGGGCAAGAAGCTGTACTGGACGGACTCAGAGAC-3'
Protein context (NP_002326.2, residues 99-119): VQNVVISGLV[Ser109Cys]PDGLACDWVG

ClinVar aggregate classification (germline): Uncertain significance (1 of 4 stars; one submission).

Submission:

Labcorp Genetics (formerly Invitae), Labcorp
Classification: Uncertain significance. Last evaluated: 2024-04-09. Review status: criteria provided, single submitter. Criteria: Invitae Variant Classification Sherloc (09022015). Collection method: clinical testing. Allele origin: germline.
Comment: This sequence change replaces serine, which is neutral and polar, with cysteine, which is neutral and slightly polar, at codon 109 of the LRP5 protein (p.Ser109Cys). This variant is not present in population databases (gnomAD no frequency). This variant has not been reported in the literature in individuals affected with LRP5-related conditions. Advanced modeling of protein sequence and biophysical properties (such as structural, functional, and spatial information, amino acid conservation, physicochemical variation, residue mobility, and thermodynamic stability) has been performed at Invitae for this missense variant, however the output from this modeling did not meet the statistical confidence thresholds required to predict the impact of this variant on LRP5 protein function. In summary, the available evidence is currently insufficient to determine the role of this variant in disease. Therefore, it has been classified as a Variant of Uncertain Significance.